The following is an entry in ClinVar:

NM_024675.4(PALB2):c.3323_3327del (p.Tyr1108fs)

Gene: PALB2 (partner and localizer of BRCA2; minus strand). Cytogenetic location: 16p12.2.
Variant type: Deletion.
Coding change: c.3323_3327del on transcript NM_024675.4 (MANE Select); coding-DNA positions 3323 to 3327, 5 bases deleted (ACTGT; older notation c.3323_3327delACTGT).
Protein change: p.Tyr1108fs; shifts the reading frame from tyrosine 1108.
Molecular consequence: frameshift variant. On other transcripts: intron variant (8).
Genome position (GRCh38, 1-based): chr16:23,607,887-23,607,891, ACAGT deleted on the plus strand (ACTGT on the coding strand, the reverse complement: PALB2 is on the minus strand); deleting any 5 consecutive bases within chr16:23,607,887-23,607,895 gives the same sequence; the c. name uses the placement nearest the transcript's 3' end. VCF-style (leftmost placement, unchanged base first): chr16-23607886-GACAGT-G. GRCh37 (hg19) VCF-style: chr16-23619207-GACAGT-G.
Other names: c.3263_3267del, p.Tyr1088fs (NM_001407296.1); c.3251_3255del, p.Tyr1084fs (NM_001407297.1); c.3161_3165del, p.Tyr1054fs (NM_001407298.1); c.3044_3048del, p.Tyr1015fs (NM_001407300.1); c.2438_2442del, p.Tyr813fs (NM_001407304.1, NM_001407305.1, NM_001407306.1); c.2276_2280del, p.Tyr759fs (NM_001407307.1); c.1535_1539del, p.Tyr512fs (NM_001407312.1); c.857_861del, p.Tyr286fs (NM_001407314.1); and 6 more; short protein forms Y1015fs, Y1054fs, Y1084fs, Y1088fs, Y1108fs, Y286fs, Y512fs, Y759fs.
Identifiers: ClinVar variation 2674167 (VCV002674167.4), dbSNP rs2506214204, ClinGen allele CA2695197580.

ClinVar aggregate classification (germline): Pathogenic. Review status: criteria provided, multiple submitters, no conflicts (2 of 4 stars). 2 submissions from 2 submitters: Pathogenic (2). Last evaluated 2023-09-15.

Conditions:
Familial cancer of breast. Also called: Hereditary breast cancer; BREAST CANCER, FAMILIAL; hereditary breast carcinoma. Identifiers: Orphanet 227535, MedGen C0346153, MONDO:0016419, OMIM 114480. Disease mechanism: loss of function.

Submissions (2):

Myriad Genetics, Inc.
Classification: Pathogenic for Familial cancer of breast. Last evaluated: 2023-09-15. Review status: criteria provided, single submitter. Criteria: Myriad Autosomal Dominant, Autosomal Recessive and X-Linked Classification Criteria (2023). Collection method: clinical testing. Allele origin: unknown.
Comment: This variant is considered pathogenic. This variant creates a frameshift predicted to result in premature protein truncation.

Labcorp Genetics (formerly Invitae), Labcorp
Classification: Pathogenic for Familial cancer of breast. Last evaluated: 2023-08-24. Review status: criteria provided, single submitter. Criteria: Invitae Variant Classification Sherloc (09022015). Collection method: clinical testing. Allele origin: germline.
Comment: For these reasons, this variant has been classified as Pathogenic. This variant disrupts a region of the PALB2 protein in which other variant(s) (p.Tyr1183*) have been determined to be pathogenic (PMID: 17200668, 17200671, 19609323). This suggests that this is a clinically significant region of the protein, and that variants that disrupt it are likely to be disease-causing. This variant has not been reported in the literature in individuals affected with PALB2-related conditions. This variant is not present in population databases (gnomAD no frequency). This sequence change creates a premature translational stop signal (p.Tyr1108Serfs*13) in the PALB2 gene. While this is not anticipated to result in nonsense mediated decay, it is expected to disrupt the last 79 amino acid(s) of the PALB2 protein.

Literature cited by the submitters: PubMed 17200668 (cited by Labcorp Genetics (formerly Invitae), Labcorp); PubMed 17200671 (cited by Labcorp Genetics (formerly Invitae), Labcorp); PubMed 19609323 (cited by Labcorp Genetics (formerly Invitae), Labcorp).